The following is an entry in ClinVar:

NM_001142864.4(PIEZO1):c.4662C>T (p.Leu1554=)

Gene: PIEZO1 (piezo type mechanosensitive ion channel component 1 (Er blood group); minus strand). Cytogenetic location: 16q24.3.
Variant type: single nucleotide variant.
Coding change: c.4662C>T on transcript NM_001142864.4 (MANE Select); coding-DNA position 4662, C replaced by T.
Protein change: p.Leu1554=; no amino-acid change (leucine 1554 retained).
Molecular consequence: synonymous variant.
Genome position (GRCh38, 1-based): chr16:88,722,843, G>A on the plus strand (C>T on the coding strand, the complement: PIEZO1 is on the minus strand). VCF-style: chr16-88722843-G-A. GRCh37 (hg19) VCF-style: chr16-88789251-G-A.
Other names: p.Leu1554=; c.4662C>T (NM_001142864.3).
Identifiers: ClinVar variation 1594063 (VCV001594063.13), dbSNP rs751557941, ClinGen allele CA8232088.

ClinVar aggregate classification (germline): Conflicting classifications of pathogenicity. Review status: criteria provided, conflicting classifications (1 of 4 stars). 4 submissions from 4 submitters: Uncertain significance (1); Likely benign (2). 1 of the submissions does not count toward it. Last evaluated 2025-09-25.

Conditions:
PIEZO1-related disorder. Also called: PIEZO1-related condition; PIEZO1-Related Disorders.

Allele frequency attached by ClinVar (database versions not stated): gnomAD exomes 0.00005; gnomAD 0.00016 and 0.00017; TOPMed 0.00031; 1000 Genomes Project 30x 0.00047.
gnomAD v4.1: 108 of 1,545,920 alleles (0.007%); highest among the groups gnomAD compares: Admixed American, 0.053%; 1 homozygote.

Submissions (4):

Labcorp Genetics (formerly Invitae), Labcorp
Classification: Likely benign. Last evaluated: 2025-09-25. Review status: criteria provided, single submitter. Criteria: Invitae Variant Classification Sherloc (09022015). Collection method: clinical testing. Allele origin: germline.

Mayo Clinic Laboratories, Mayo Clinic
Classification: Likely benign. Last evaluated: 2025-08-20. Review status: criteria provided, single submitter. Criteria: ACMG Guidelines, 2015. Collection method: clinical testing. Allele origin: germline. Observed: 1 variant allele.
Comment: BP4, BP7

Revvity Omics, Revvity
Classification: Uncertain significance. Last evaluated: 2022-08-04. Review status: criteria provided, single submitter. Criteria: ACMG Guidelines, 2015. Collection method: clinical testing. Allele origin: germline.

PreventionGenetics, part of Exact Sciences
Classification: Likely benign for PIEZO1-related condition. Last evaluated: 2019-06-17. Review status: no assertion criteria provided. Collection method: clinical testing. Allele origin: germline. Not counted in ClinVar's aggregate classification.
Comment: This variant is classified as likely benign based on ACMG/AMP sequence variant interpretation guidelines (Richards et al. 2015 PMID: 25741868, with internal and published modifications).